The following is an entry in ClinVar:

NM_001289808.2(CRYAB):c.482T>C (p.Ile161Thr)

Gene: CRYAB (crystallin alpha B; minus strand). Cytogenetic location: 11q23.1.
Variant type: single nucleotide variant.
Coding change: c.482T>C on transcript NM_001289808.2 (MANE Select); coding-DNA position 482, T replaced by C.
Protein change: p.Ile161Thr; replaces isoleucine 161 with threonine.
Molecular consequence: missense variant.
Genome position (GRCh38, 1-based): chr11:111,908,810, A>G on the plus strand (T>C on the coding strand, the complement: CRYAB is on the minus strand). VCF-style: chr11-111908810-A-G. GRCh37 (hg19) VCF-style: chr11-111779534-A-G.
Other names: c.482T>C, p.Ile161Thr (NM_001368245.1, NM_001885.3, NM_001289807.1); c.281T>C, p.Ile94Thr (NM_001368246.1, NM_001330379.1); short protein forms I161T, I94T.
Identifiers: ClinVar variation 810752 (VCV000810752.8), dbSNP rs1592506005, ClinGen allele CA382595618.
Genomic context (GRCh38, chr11:111,908,810, plus strand): 5'-TCAAGAAAGGGCATCTATTTCTTGGGGGCTGCGGTGACAGCAGGCTTCTCTTCACGGGTG[A>G]TGGGAATGGTGCGCTCAGGGCCAGAGACCTGTTTCCTTGGTCCATTCACAGTGAGGACCC-3'
Protein context (NP_001276737.1, residues 151-171): QVSGPERTIP[Ile161Thr]TREEKPAVTA

ClinVar aggregate classification (germline): Uncertain significance. Review status: criteria provided, multiple submitters, no conflicts (2 of 4 stars). 5 submissions from 3 submitters: Uncertain significance (5). Last evaluated 2019-03-01.

Conditions:
Cataract 16 multiple types. Also called: CATARACT, CONGENITAL LAMELLAR; CATARACT 16, POSTERIOR POLAR; CATARACT 16, CONGENITAL LAMELLAR. Identifiers: Orphanet 91492, Orphanet 98992, Orphanet 98993, Orphanet 98995, MedGen C3808377, MONDO:0013411, OMIM 613763.
Myofibrillar myopathy 2. Also called: MYOPATHY, MYOFIBRILLAR, WITH OR WITHOUT CATARACT AND/OR CARDIOMYOPATHY; MYOPATHY, MYOFIBRILLAR, 2A, ADULT-ONSET; MYOPATHY, DESMIN-RELATED, ASSOCIATED WITH MUTATION IN THE CRYAB GENE; MYOPATHY, MYOFIBRILLAR, ALPHA-B CRYSTALLIN-RELATED. Identifiers: Orphanet 280553, Orphanet 399058, MedGen C1837317, MONDO:0012130.
Fatal infantile hypertonic myofibrillar myopathy (MFM2B). Also called: MYOPATHY, MYOFIBRILLAR, 2B, INFANTILE-ONSET; MFM, FATAL INFANTILE HYPERTONIC, ALPHA-B CRYSTALLIN-RELATED. Identifiers: Orphanet 280553, MedGen C5190691, MONDO:0013472, OMIM 613869.
Hypertrophic cardiomyopathy. Also called: HYPERTROPHIC MYOCARDIOPATHY. Identifiers: Orphanet 217569, MedGen C0007194, MeSH D002312, MONDO:0005045, HP:0001639.

Allele frequency attached by ClinVar (database versions not stated): gnomAD exomes 0.00002.
gnomAD v4.1: 16 of 1,613,546 alleles (0.00099%); highest among the groups gnomAD compares: Non-Finnish European, 0.0013%; no homozygotes.

Submissions (5):

Revvity Omics, Revvity
Classification: Uncertain significance. Last evaluated: 2019-03-01. Review status: criteria provided, single submitter. Criteria: ACMG Guidelines, 2015. Collection method: clinical testing. Allele origin: germline.

Agnes Ginges Centre for Molecular Cardiology, Centenary Institute
Classification: Uncertain significance for Hypertrophic cardiomyopathy. Last evaluated: 2018-10-11. Review status: criteria provided, single submitter. Criteria: ACMG Guidelines, 2015. Collection method: research. Allele origin: germline. Inheritance: Autosomal dominant inheritance. Affected: yes.
Comment: The CRYAB Ile161thr variant has not been reported previously. It is absent from the Genome Aggregation Database. Computational tools SIFT, MutationTaster, and PolyPhen-2 predict this variant to have a deleterious effect. In summary, based on rarity in the general popualtion and our limited familial data we classify CRYAB Ile161Thr as a variant of "uncertain significance".

Illumina Laboratory Services, Illumina
Classification: Uncertain significance. Last evaluated: 2018-01-12. Review status: criteria provided, single submitter. Criteria: ICSL Variant Classification Criteria 13 December 2019. Collection method: clinical testing. Allele origin: germline.

Illumina Laboratory Services, Illumina
Classification: Uncertain significance for Fatal infantile hypertonic myofibrillar myopathy. Last evaluated: 2018-01-12. Review status: criteria provided, single submitter. Criteria: ICSL Variant Classification Criteria 13 December 2019. Collection method: clinical testing. Allele origin: germline.

Illumina Laboratory Services, Illumina
Classification: Uncertain significance for Cataract 16 multiple types. Last evaluated: 2018-01-12. Review status: criteria provided, single submitter. Criteria: ICSL Variant Classification Criteria 13 December 2019. Collection method: clinical testing. Allele origin: germline.